The following is an entry in ClinVar:

NM_000135.4(FANCA):c.4261-7C>G

Genes: ZNF276 (zinc finger protein 276; plus strand), FANCA (FA complementation group A; minus strand). Cytogenetic location: 16q24.3.
Variant type: single nucleotide variant.
Coding change: c.4261-7C>G on transcript NM_000135.4 (MANE Select); 7 bases into the intron before coding-DNA position 4261, C replaced by G.
Molecular consequence: intron variant. On other transcripts: 3 prime UTR variant (2), non-coding transcript variant (4).
Genome position (GRCh38, 1-based): chr16:89,738,715, G>C on the plus strand (C>G on the coding strand, the complement: FANCA is on the minus strand). VCF-style: chr16-89738715-G-C. GRCh37 (hg19) VCF-style: chr16-89805123-G-C.
Other names: c.*469G>C (NM_001113525.2, NM_152287.4); c.4265-7C>G (NM_001286167.3).
Identifiers: ClinVar variation 2663987 (VCV002663987.4), dbSNP rs1567591243, ClinGen allele CA2241889271.

ClinVar aggregate classification (germline): Uncertain significance. Review status: criteria provided, multiple submitters, no conflicts (2 of 4 stars). 2 submissions from 2 submitters: Uncertain significance (2). Last evaluated 2023-10-16.

Conditions:
Fanconi anemia (FA). Also called: Fanconi's anemia. Identifiers: Orphanet 84, MedGen C0015625, MeSH D005199, MONDO:0019391.
Fanconi anemia complementation group A (FANCA). Also called: Fanconi anemia, group A; FANCA-Related Fanconi Anemia. Identifiers: Orphanet 84, MedGen C3469521, MONDO:0009215, OMIM 227650.

Submissions (2):

St. Jude Molecular Pathology, St. Jude Children's Research Hospital
Classification: Uncertain significance for Fanconi anemia complementation group A. Last evaluated: 2023-10-16. Review status: criteria provided, single submitter. Criteria: St. Jude Assertion Criteria 2020. Collection method: clinical testing. Allele origin: germline.
Comment: The FANCA c.4261-7C>G intronic change results in a C to G substitution at the -7 position of intron 42 of the FANCA gene. Algorithms that predict the impact of sequence changes on splicing indicate that this variant may impact splicing. This variant is absent in gnomAD v2.1.1. To our knowledge, this variant has not been reported in individuals with Fanconi anemia. In summary, the evidence currently available is insufficient to determine the clinical significance of this variant. It has therefore been classified as of uncertain significance.

Labcorp Genetics (formerly Invitae), Labcorp
Classification: Uncertain significance for Fanconi anemia. Last evaluated: 2023-07-26. Review status: criteria provided, single submitter. Criteria: Invitae Variant Classification Sherloc (09022015). Collection method: clinical testing. Allele origin: germline.
Comment: In summary, the available evidence is currently insufficient to determine the role of this variant in disease. Therefore, it has been classified as a Variant of Uncertain Significance. Algorithms developed to predict the effect of sequence changes on RNA splicing suggest that this variant may disrupt the consensus splice site. This variant has not been reported in the literature in individuals affected with FANCA-related conditions. This variant is not present in population databases (gnomAD no frequency). This sequence change falls in intron 42 of the FANCA gene. It does not directly change the encoded amino acid sequence of the FANCA protein.